The following is an entry in ClinVar:

NM_153006.3(NAGS):c.1200del (p.Lys401fs)

Gene: NAGS (N-acetylglutamate synthase; plus strand). Cytogenetic location: 17q21.31.
Variant type: Deletion.
Coding change: c.1200del on transcript NM_153006.3 (MANE Select); coding-DNA position 1200, one base deleted (C; older notation c.1200delC).
Protein change: p.Lys401fs; shifts the reading frame from lysine 401.
Molecular consequence: frameshift variant.
Genome position (GRCh38, 1-based): chr17:44,007,426, C deleted. VCF-style (leftmost placement, unchanged base first): chr17-44007425-GC-G. GRCh37 (hg19) VCF-style: chr17-42084793-GC-G.
Other names: short protein forms K401fs.
Identifiers: ClinVar variation 4058332 (VCV004058332.2).
Genomic context (GRCh38, chr17:44,007,425, plus strand): 5'-TGCGCAGCCTGGACAAGCTGGACCAGGGCCGTCTAGTGGACCTGGTCAACGCCAGCTTCG[GC>G]AAGAAGCTCAGGGACGACTACCTGGCCTCGCTGCGCCCGCGGCTGCACTCCATCTACGTC-3'

ClinVar aggregate classification (germline): Likely pathogenic (1 of 4 stars; one submission).

Conditions:
Hyperammonemia, type III (NAGSD). Also called: Hyperammonemia due to N-acetylglutamate synthase deficiency. Identifiers: Orphanet 927, MedGen C0268543, MONDO:0009377, OMIM 237310.

Submission:

Natera, Inc.
Classification: Likely pathogenic for Hyperammonemia type III. Last evaluated: 2025-02-04. Review status: criteria provided, single submitter. Criteria: Natera Variant Classification Schema (03/2026). Collection method: clinical testing. Allele origin: germline.
Comment: The c.1200del variant in NAGS is a frameshift variant predicted to shift the reading frame beginning at codon 401 and leads to a stop codon 30 codons downstream. This variant is expected to result in nonsense mediated decay, truncation, or a dysfunctional protein product. This variant is rare in the general population with a frequency below the threshold expected for the associated phenotype(s). Given the available evidence, this variant is classified as Likely Pathogenic.